The following is an entry in ClinVar:

NM_004736.4(XPR1):c.515G>A (p.Gly172Glu)

Gene: XPR1 (xenotropic and polytropic retrovirus receptor 1; plus strand). Cytogenetic location: 1q25.3.
Variant type: single nucleotide variant.
Coding change: c.515G>A on transcript NM_004736.4 (MANE Select); coding-DNA position 515, G replaced by A.
Protein change: p.Gly172Glu; replaces glycine 172 with glutamic acid.
Molecular consequence: missense variant. On other transcripts: non-coding transcript variant (1).
Genome position (GRCh38, 1-based): chr1:180,806,129, G>A. VCF-style: chr1-180806129-G-A. GRCh37 (hg19) VCF-style: chr1-180775265-G-A.
Other names: c.515G>A, p.Gly172Glu (NM_001135669.2, NM_001328662.2); short protein forms G172E.
Identifiers: ClinVar variation 2444847 (VCV002444847.1), dbSNP rs2525826434, ClinGen allele CA343843544.

ClinVar aggregate classification (germline): Uncertain significance (1 of 4 stars; one submission).

Submission:

GeneDx
Classification: Uncertain significance. Last evaluated: 2022-09-14. Review status: criteria provided, single submitter. Criteria: GeneDx Variant Classification Process June 2021. Collection method: clinical testing. Allele origin: germline. Affected: yes.
Comment: Not observed at significant frequency in large population cohorts (gnomAD); In silico analysis supports that this missense variant has a deleterious effect on protein structure/function; Has not been previously published as pathogenic or benign to our knowledge